The following is an entry in ClinVar:

NM_014319.5(LEMD3):c.1205C>T (p.Ser402Phe)

Gene: LEMD3 (LEM domain containing 3; plus strand). Cytogenetic location: 12q14.3.
Variant type: single nucleotide variant.
Coding change: c.1205C>T on transcript NM_014319.5 (MANE Select); coding-DNA position 1205, C replaced by T.
Protein change: p.Ser402Phe; replaces serine 402 with phenylalanine.
Molecular consequence: missense variant.
Genome position (GRCh38, 1-based): chr12:65,170,801, C>T. VCF-style: chr12-65170801-C-T. GRCh37 (hg19) VCF-style: chr12-65564581-C-T.
Other names: c.1205C>T, p.Ser402Phe (NM_001167614.2); short protein forms S402F.
Identifiers: ClinVar variation 883454 (VCV000883454.13), dbSNP rs139346096, ClinGen allele CA6670870.

ClinVar aggregate classification (germline): Benign/Likely benign. Review status: criteria provided, multiple submitters, no conflicts (2 of 4 stars). 3 submissions from 3 submitters: Benign (1); Likely benign (2). Last evaluated 2026-01-27.

Conditions:
Dermatofibrosis lenticularis disseminata (BOS). Also called: OSTEOPATHIA CONDENSANS DISSEMINATA; DERMATOFIBROSIS LENTICULARIS DISSEMINATA WITH OSTEOPOIKILOSIS; DERMATOOSTEOPOIKILOSIS. Identifiers: Orphanet 1306, MedGen C0265514, MONDO:0008157, OMIM 166700.

Allele frequency attached by ClinVar (database versions not stated): gnomAD 0.00027 and 0.00029; TOPMed 0.00031; ESP Exome Variant Server 0.00038; ExAC 0.00044.
gnomAD v4.1: 441 of 1,614,014 alleles (0.027%); highest among the groups gnomAD compares: Admixed American, 0.01%; 2 homozygotes.

Submissions (3):

Labcorp Genetics (formerly Invitae), Labcorp
Classification: Benign. Last evaluated: 2026-01-27. Review status: criteria provided, single submitter. Criteria: Invitae Variant Classification Sherloc (09022015). Collection method: clinical testing. Allele origin: germline.

Blueprint Genetics
Classification: Likely benign. Last evaluated: 2024-11-27. Review status: criteria provided, single submitter. Criteria: ACMG Guidelines, 2015. Collection method: clinical testing. Allele origin: germline.

Illumina Laboratory Services, Illumina
Classification: Likely benign for Dermatofibrosis lenticularis disseminata. Last evaluated: 2017-04-27. Review status: criteria provided, single submitter. Criteria: ICSL Variant Classification Criteria 13 December 2019. Collection method: clinical testing. Allele origin: germline.
Comment: This variant was observed as part of a predisposition screen in an ostensibly healthy population. A literature search was performed for the gene, cDNA change, and amino acid change (where applicable). No publications were found based on this search. Allele frequency data from public databases allowed determination this variant is unlikely to cause disease. Therefore, this variant is classified as likely benign.